The following is an entry in ClinVar:

NM_019892.6(INPP5E):c.1747G>T (p.Asp583Tyr)

Gene: INPP5E (inositol polyphosphate-5-phosphatase E; minus strand). Cytogenetic location: 9q34.3.
Variant type: single nucleotide variant.
Coding change: c.1747G>T on transcript NM_019892.6 (MANE Select); coding-DNA position 1747, G replaced by T.
Protein change: p.Asp583Tyr; replaces aspartic acid 583 with tyrosine.
Molecular consequence: missense variant.
Genome position (GRCh38, 1-based): chr9:136,430,332, C>A on the plus strand (G>T on the coding strand, the complement: INPP5E is on the minus strand). VCF-style: chr9-136430332-C-A. GRCh37 (hg19) VCF-style: chr9-139324784-C-A.
Other names: c.1744G>T, p.Asp582Tyr (NM_001318502.2); short protein forms D583Y, D582Y.
Identifiers: ClinVar variation 1414658 (VCV001414658.6), dbSNP rs756888841, ClinGen allele CA375561221.

ClinVar aggregate classification (germline): Likely pathogenic (1 of 4 stars; one submission).

Conditions:
Joubert syndrome. Also called: CEREBELLOPARENCHYMAL DISORDER IV; JOUBERT-BOLTSHAUSER SYNDROME; Familial aplasia of the vermis. Identifiers: Orphanet 475, MedGen C5979921, MONDO:0018772.

gnomAD v4.1: 1 of 1,552,714 alleles (0.000064%); highest among the groups gnomAD compares: Non-Finnish European, 0.000087%; no homozygotes.

Submission:

Labcorp Genetics (formerly Invitae), Labcorp
Classification: Likely pathogenic for Joubert syndrome. Last evaluated: 2023-07-17. Review status: criteria provided, single submitter. Criteria: Invitae Variant Classification Sherloc (09022015). Collection method: clinical testing. Allele origin: germline.
Comment: In summary, the currently available evidence indicates that the variant is pathogenic, but additional data are needed to prove that conclusively. Therefore, this variant has been classified as Likely Pathogenic. This variant disrupts the p.Asp583 amino acid residue in INPP5E. Other variant(s) that disrupt this residue have been determined to be pathogenic (Invitae). This suggests that this residue is clinically significant, and that variants that disrupt this residue are likely to be disease-causing. Advanced modeling of protein sequence and biophysical properties (such as structural, functional, and spatial information, amino acid conservation, physicochemical variation, residue mobility, and thermodynamic stability) performed at Invitae indicates that this missense variant is expected to disrupt INPP5E protein function. ClinVar contains an entry for this variant (Variation ID: 1414658). This variant has not been reported in the literature in individuals affected with INPP5E-related conditions. This variant is not present in population databases (gnomAD no frequency). This sequence change replaces aspartic acid, which is acidic and polar, with tyrosine, which is neutral and polar, at codon 583 of the INPP5E protein (p.Asp583Tyr).